The following is an entry in ClinVar:

ClinVar aggregate classification (germline): Uncertain significance. Review status: criteria provided, single submitter (1 of 4 stars). 2 submissions from 2 submitters: Uncertain significance (1). 1 of the submissions does not count toward it. Last evaluated 2022-06-24.

Conditions:
Pyruvate dehydrogenase E1-alpha deficiency (PDHAD). Also called: ATAXIA, INTERMITTENT, WITH PYRUVATE DEHYDROGENASE DEFICIENCY; ATAXIA WITH LACTIC ACIDOSIS I; ATAXIA, INTERMITTENT, WITH ABNORMAL PYRUVATE METABOLISM; Ataxia, intermittent, with pyruvate dehydrogenase, or decarboxylase, deficiency. Identifiers: Orphanet 79243, MedGen C1839413, MONDO:0010717, OMIM 312170.

Submissions (2):

Victorian Clinical Genetics Services, Murdoch Childrens Research Institute
Classification: Uncertain significance for Pyruvate dehydrogenase E1-alpha deficiency. Last evaluated: 2022-06-24. Review status: criteria provided, single submitter. Criteria: ACMG Guidelines, 2015. Collection method: clinical testing. Allele origin: germline. Inheritance: X-linked dominant inheritance. Affected: yes.
Comment: Based on the classification scheme VCGS_Germline_v1.3.4, this variant is classified as VUS-3A. Following criteria are met: 0102 - Loss of function is a known mechanism of disease in this gene and is associated with pyruvate dehydrogenase E1-alpha deficiency (MIM#312170). (I) 0110 - This gene is associated with X-linked dominant disease. Males can also be affected, however severe variants are presumed to be embryonically lethal (PMID: 22142326). Unaffected heterozygous females have also been reported (PMID: 23021068). (I) 0115 - Variants in this gene are known to have variable expressivity. Depending on the residual enzymatic activity resulting from the PDHA1 variant, the severity of phenotypic presentation can vary. Additionally, the severity in females is dependent on X-chromosome inactivation patterns (OMIM, PMID: 22142326). (I) 0200 - Variant is predicted to result in a missense amino acid change from tyrosine to serine. (I) 0253 - This variant is hemizygous. (I) 0301 - Variant is absent from gnomAD (both v2 and v3). (SP) 0501 - Missense variant consistently predicted to be damaging by multiple in silico tools or highly conserved with a major amino acid change. (SP) 0603 - Missense variant in a region that is highly intolerant to missense variation (high constraint region in DECIPHER). (SP) 0705 - No comparable missense variants have previous evidence for pathogenicity. (I) 0807 - This variant has no previous evidence of pathogenicity. (I) 0905 - No published segregation evidence has been identified for this variant. (I) 1007 - No published functional evidence has been identified for this variant. (I) 1102 - Strong phenotype match for this individual. (I) Legend: (SP) - Supporting pathogenic, (I) - Information, (SB) - Supporting benign

PDHA1 Study Group, University Children’s Hospital, Paracelsus Medical University
Classification: Likely pathogenic for Pyruvate dehydrogenase E1-alpha deficiency. Last evaluated: 2024-10-15. Review status: no assertion criteria provided. Collection method: research. Allele origin: inherited. Affected: yes. Observed: 1 variant allele. Not counted in ClinVar's aggregate classification.
Comment: The NM_000284.3:c.194A>C (p.Tyr65Ser) substitution is a missense variant in PDHA1 gene. Among them, 1 were confirmed inherited. Last literature search: July 12, 2024. This variant is absent or extremely rare in population-based cohorts in the Genome Aggregation Database (gnomAD). Individuals harboring this variant presented with clinical features compatible with PDHA1-related PDHc deficiency. In summary, this variant meets criteria to be classified as likely pathogenic (LP) for PDHA1-related PDHc deficiency based on the ACMG/AMP criteria applied: PS1, PM2, PP3 (last assessment October 15, 2024).

Literature cited by the submitters: PubMed 22142326 (cited by Victorian Clinical Genetics Services, Murdoch Childrens Research Institute); PubMed 23021068 (cited by Victorian Clinical Genetics Services, Murdoch Childrens Research Institute); DOI 10.1093/brain/awaf430 (cited by PDHA1 Study Group, University Children’s Hospital, Paracelsus Medical University).

NM_000284.4(PDHA1):c.194A>C (p.Tyr65Ser)

Gene: PDHA1 (pyruvate dehydrogenase E1 subunit alpha 1; plus strand). Cytogenetic location: Xp22.12.
Variant type: single nucleotide variant.
Coding change: c.194A>C on transcript NM_000284.4 (MANE Select); coding-DNA position 194, A replaced by C.
Protein change: p.Tyr65Ser; replaces tyrosine 65 with serine.
Molecular consequence: missense variant.
Genome position (GRCh38, 1-based): chrX:19,350,013, A>C. VCF-style: chrX-19350013-A-C. GRCh37 (hg19) VCF-style: chrX-19368131-A-C.
Other names: c.308A>C, p.Tyr103Ser (NM_001173454.2); c.194A>C, p.Tyr65Ser (NM_001173455.2, NM_001173456.2); short protein forms Y103S, Y65S.
Identifiers: ClinVar variation 1805126 (VCV001805126.2), dbSNP rs2519339682, ClinGen allele CA412390078.